The following is an entry in ClinVar:

ClinVar aggregate classification (germline): Uncertain significance (1 of 4 stars; one submission).

gnomAD v4.1: 2 of 1,601,218 alleles (0.00012%); highest among the groups gnomAD compares: Non-Finnish European, 0.00017%; no homozygotes.

Submission:

Labcorp Genetics (formerly Invitae), Labcorp
Classification: Uncertain significance. Last evaluated: 2023-07-21. Review status: criteria provided, single submitter. Criteria: Invitae Variant Classification Sherloc (09022015). Collection method: clinical testing. Allele origin: germline.
Comment: In summary, the available evidence is currently insufficient to determine the role of this variant in disease. Therefore, it has been classified as a Variant of Uncertain Significance. An algorithm developed to predict the effect of missense changes on protein structure and function (PolyPhen-2) suggests that this variant is likely to be tolerated. This variant has not been reported in the literature in individuals affected with NOG-related conditions. This variant is not present in population databases (gnomAD no frequency). This sequence change replaces alanine, which is neutral and non-polar, with glutamic acid, which is acidic and polar, at codon 102 of the NOG protein (p.Ala102Glu).

NM_005450.6(NOG):c.305C>A (p.Ala102Glu)

Gene: NOG (noggin; plus strand). Cytogenetic location: 17q22.
Variant type: single nucleotide variant.
Coding change: c.305C>A on transcript NM_005450.6 (MANE Select); coding-DNA position 305, C replaced by A.
Protein change: p.Ala102Glu; replaces alanine 102 with glutamic acid.
Molecular consequence: missense variant.
Genome position (GRCh38, 1-based): chr17:56,594,528, C>A. VCF-style: chr17-56594528-C-A. GRCh37 (hg19) VCF-style: chr17-54671889-C-A.
Other names: short protein forms A102E.
Identifiers: ClinVar variation 2807225 (VCV002807225.3), dbSNP rs774298541, ClinGen allele CA399965571.